The following is an entry in ClinVar:

NM_173354.5(SIK1):c.2333C>A (p.Thr778Lys)

Gene: SIK1 (salt inducible kinase 1; minus strand). Cytogenetic location: 21q22.3.
Variant type: single nucleotide variant.
Coding change: c.2333C>A on transcript NM_173354.5 (MANE Select); coding-DNA position 2333, C replaced by A.
Protein change: p.Thr778Lys; replaces threonine 778 with lysine.
Molecular consequence: missense variant.
Genome position (GRCh38, 1-based): chr21:43,416,761, G>T on the plus strand (C>A on the coding strand, the complement: SIK1 is on the minus strand). VCF-style: chr21-43416761-G-T. GRCh37 (hg19) VCF-style: chr21-44836641-G-T.
Other names: short protein forms T778K.
Identifiers: ClinVar variation 4742975 (VCV004742975.1).
Genomic context (GRCh38, chr21:43,416,761, plus strand): 5'-GCTGTAAGAGTCAGTGTCCGTGCCAGGATGCAGGGCTGCCCTCACTGCACCAGGACAAAC[G>T]TGCCTAGGGAGCAGGGCATCAGGTCCTCCATCTCACAGTCCCCCTGCAGCAGCCCCAGGG-3'
Protein context (NP_775490.2, residues 768-783): MEDLMPCSLG[Thr778Lys]FVLVQ

ClinVar aggregate classification (germline): Uncertain significance (1 of 4 stars; one submission).

Conditions:
Developmental and epileptic encephalopathy, 30 (DEE30). Also called: Epileptic encephalopathy, early infantile, 30. Identifiers: MedGen C4225360, MONDO:0014595, OMIM 616341.

Submission:

Labcorp Genetics (formerly Invitae), Labcorp
Classification: Uncertain significance for Developmental and epileptic encephalopathy, 30. Last evaluated: 2025-04-10. Review status: criteria provided, single submitter. Criteria: Invitae Variant Classification Sherloc (09022015). Collection method: clinical testing. Allele origin: germline.
Comment: This sequence change replaces threonine, which is neutral and polar, with lysine, which is basic and polar, at codon 778 of the SIK1 protein (p.Thr778Lys). This variant is not present in population databases (gnomAD no frequency). This missense change has been observed in individual(s) with clinical features of SIK1-related conditions (internal data). Invitae Evidence Modeling of protein sequence and biophysical properties (such as structural, functional, and spatial information, amino acid conservation, physicochemical variation, residue mobility, and thermodynamic stability) indicates that this missense variant is not expected to disrupt SIK1 protein function with a negative predictive value of 95%. In summary, the available evidence is currently insufficient to determine the role of this variant in disease. Therefore, it has been classified as a Variant of Uncertain Significance.